The following is an entry in ClinVar:

NM_000350.3(ABCA4):c.5444T>A (p.Leu1815Ter)

Gene: ABCA4 (ATP binding cassette subfamily A member 4; minus strand). Cytogenetic location: 1p22.1.
Variant type: single nucleotide variant.
Coding change: c.5444T>A on transcript NM_000350.3 (MANE Select); coding-DNA position 5444, T replaced by A.
Protein change: p.Leu1815Ter; replaces leucine 1815 with a stop codon.
Molecular consequence: nonsense.
Genome position (GRCh38, 1-based): chr1:94,014,559, A>T on the plus strand (T>A on the coding strand, the complement: ABCA4 is on the minus strand). VCF-style: chr1-94014559-A-T. GRCh37 (hg19) VCF-style: chr1-94480115-A-T.
Other names: c.5222T>A, p.Leu1741Ter (NM_001425324.1); short protein forms L1815*, L1741*.
Identifiers: ClinVar variation 3727109 (VCV003727109.2).

ClinVar aggregate classification (germline): Pathogenic (1 of 4 stars; one submission).

Submission:

Labcorp Genetics (formerly Invitae), Labcorp
Classification: Pathogenic. Last evaluated: 2024-12-12. Review status: criteria provided, single submitter. Criteria: Invitae Variant Classification Sherloc (09022015). Collection method: clinical testing. Allele origin: germline.
Comment: This sequence change creates a premature translational stop signal (p.Leu1815*) in the ABCA4 gene. It is expected to result in an absent or disrupted protein product. Loss-of-function variants in ABCA4 are known to be pathogenic (PMID: 10958761, 24938718, 25312043, 26780318). This variant is not present in population databases (gnomAD no frequency). This variant has not been reported in the literature in individuals affected with ABCA4-related conditions. For these reasons, this variant has been classified as Pathogenic.

Literature cited by the submitters: PubMed 10958761; PubMed 24938718; PubMed 25312043; PubMed 26780318.